The following is an entry in ClinVar:

ClinVar aggregate classification (germline): Uncertain significance. Review status: criteria provided, multiple submitters, no conflicts (2 of 4 stars). 2 submissions from 2 submitters: Uncertain significance (2). Last evaluated 2023-07-17.

Conditions:
Inborn genetic diseases. Identifiers: MedGen C0950123, MeSH D030342.

Allele frequency attached by ClinVar (database versions not stated): TOPMed 0.00002; ExAC 0.00003; gnomAD 0.00003; gnomAD exomes 0.00003; ESP Exome Variant Server 0.00008.
gnomAD v4.1: 51 of 1,613,780 alleles (0.0032%); highest among the groups gnomAD compares: Middle Eastern, 0.016%; no homozygotes.

Submissions (3):

Labcorp Genetics (formerly Invitae), Labcorp
Classification: Uncertain significance. Last evaluated: 2023-07-17. Review status: criteria provided, single submitter. Criteria: Invitae Variant Classification Sherloc (09022015). Collection method: clinical testing. Allele origin: germline.
Comment: ClinVar contains an entry for this variant (Variation ID: 1430314). This variant has not been reported in the literature in individuals affected with MYH14-related conditions. This variant is present in population databases (rs200843734, gnomAD 0.007%). This sequence change replaces arginine, which is basic and polar, with tryptophan, which is neutral and slightly polar, at codon 589 of the MYH14 protein (p.Arg589Trp). Advanced modeling of protein sequence and biophysical properties (such as structural, functional, and spatial information, amino acid conservation, physicochemical variation, residue mobility, and thermodynamic stability) performed at Invitae indicates that this missense variant is expected to disrupt MYH14 protein function. In summary, the available evidence is currently insufficient to determine the role of this variant in disease. Therefore, it has been classified as a Variant of Uncertain Significance.

Ambry Genetics
Classification: Uncertain significance for Inborn genetic diseases. Last evaluated: 2021-09-16. Review status: criteria provided, single submitter. Criteria: Ambry Variant Classification Scheme 2023. Collection method: clinical testing. Allele origin: germline.

Dr. Peter K. Rogan Lab, Western University
No classification provided (evidence only). Condition: Malignant tumor of urinary bladder. Review status: no classification provided. Collection method: in vitro. Allele origin: not applicable. Functional consequence: retained intron. Not counted in ClinVar's aggregate classification.

NM_001145809.2(MYH14):c.1789C>T (p.Arg597Trp)

Gene: MYH14 (myosin heavy chain 14; plus strand). Cytogenetic location: 19q13.33.
Variant type: single nucleotide variant.
Coding change: c.1789C>T on transcript NM_001145809.2 (MANE Select); coding-DNA position 1789, C replaced by T.
Protein change: p.Arg597Trp; replaces arginine 597 with tryptophan.
Molecular consequence: missense variant.
Genome position (GRCh38, 1-based): chr19:50,250,647, C>T. VCF-style: chr19-50250647-C-T. GRCh37 (hg19) VCF-style: chr19-50753904-C-T.
Other names: c.1789C>T, p.Arg597Trp (NM_001077186.2); c.1765C>T, p.Arg589Trp (NM_024729.4); c.1765C>T (NM_024729.3); short protein forms R597W, R589W.
Identifiers: ClinVar variation 1430314 (VCV001430314.8), dbSNP rs200843734, ClinGen allele CA9592711.